The following is an entry in ClinVar:

NM_000701.8(ATP1A1):c.905T>G (p.Leu302Arg)

Gene: ATP1A1 (ATPase Na+/K+ transporting subunit alpha 1; plus strand). Cytogenetic location: 1p13.1.
Variant type: single nucleotide variant.
Coding change: c.905T>G on transcript NM_000701.8 (MANE Select); coding-DNA position 905, T replaced by G.
Protein change: p.Leu302Arg; replaces leucine 302 with arginine.
Molecular consequence: missense variant.
Genome position (GRCh38, 1-based): chr1:116,389,589, T>G. VCF-style: chr1-116389589-T-G. GRCh37 (hg19) VCF-style: chr1-116932211-T-G.
Other names: c.905T>G (NM_000701.7); c.812T>G, p.Leu271Arg (NM_001160234.2); c.905T>G, p.Leu302Arg (NM_001160233.2); short protein forms L271R, L302R.
Identifiers: ClinVar variation 1687398 (VCV001687398.2), dbSNP rs1557785499, ClinGen allele CA341843961.
Genomic context (GRCh38, chr1:116,389,589, plus strand): 5'-CCCCCATTGCTGCAGAAATTGAACATTTTATCCACATCATCACGGGTGTGGCTGTGTTCC[T>G]GGGTGTGTCTTTCTTCATCCTTTCTCTCATCCTTGAGTACACCTGGCTTGAGGCTGTCAT-3'
Protein context (NP_000692.2, residues 292-312): IHIITGVAVF[Leu302Arg]GVSFFILSLI

ClinVar aggregate classification (germline): Pathogenic. Review status: criteria provided, multiple submitters, no conflicts (2 of 4 stars). 2 submissions from 2 submitters: Pathogenic (2). Last evaluated 2026-02-05.

Conditions:
Hypomagnesemia, seizures, and impaired intellectual development 2. Also called: Hypomagnesemia, seizures, and intellectual disability 2. Identifiers: MedGen C5193023, MONDO:0020788, OMIM 618314.

Submissions (2):

GeneDx
Classification: Pathogenic. Last evaluated: 2026-02-05. Review status: criteria provided, single submitter. Criteria: GeneDx Variant Classification Process June 2021. Collection method: clinical testing. Allele origin: germline.
Comment: Not observed at significant frequency in large population cohorts (gnomAD); In silico analysis supports that this missense variant has a deleterious effect on protein structure/function; Published functional studies demonstrate a damaging effect; however, information about positive controls being utilized for these analyses was not provided (PMID: 30388404); This variant is associated with the following publications: (PMID: 30388404)

3billion
Classification: Pathogenic for Hypomagnesemia, seizures, and impaired intellectual development 2. Last evaluated: 2022-05-22. Review status: criteria provided, single submitter. Criteria: ACMG Guidelines, 2015. Collection method: clinical testing. Allele origin: germline. Affected: yes. Observed: 1 heterozygote.
Comment: The variant is not observed in the gnomAD v2.1.1 dataset. Missense changes are a common disease-causing mechanism. Functional studies provide strong evidence of the variant having a damaging effect on the gene or gene product (PMID: 30388404). In silico tool predictions suggest damaging effect of the variant on gene or gene product (REVEL: 0.95; 3Cnet: 0.96). Same nucleotide change resulting in same amino acid change has been previously reported to be associated with ATP1A1- related disorder (PMID: 30388404). The variant has been previously reported as de novo in a similarly affected individual (PMID: 30388404). A different missense change at the same codon (p.Leu302Pro) has been reported to be associated with ATP1A1- related disorder (ClinVar ID: VCV000617641). Therefore, this variant is classified as pathogenic according to the recommendation of ACMG/AMP guideline.

Literature cited by the submitters: PubMed 30388404 (cited by 3billion).